The following is an entry in ClinVar:

NM_002941.4(ROBO1):c.3715C>T (p.Pro1239Ser)

Gene: ROBO1 (roundabout guidance receptor 1; minus strand). Cytogenetic location: 3p12.3.
Variant type: single nucleotide variant.
Coding change: c.3715C>T on transcript NM_002941.4 (MANE Select); coding-DNA position 3715, C replaced by T.
Protein change: p.Pro1239Ser; replaces proline 1239 with serine.
Molecular consequence: missense variant.
Genome position (GRCh38, 1-based): chr3:78,627,481, G>A on the plus strand (C>T on the coding strand, the complement: ROBO1 is on the minus strand). VCF-style: chr3-78627481-G-A. GRCh37 (hg19) VCF-style: chr3-78676631-G-A.
Other names: c.3580C>T, p.Pro1194Ser (NM_001145844.1, NM_133631.4); c.3415C>T, p.Pro1139Ser (NM_001145845.2); short protein forms P1139S, P1194S, P1239S.
Identifiers: ClinVar variation 2628772 (VCV002628772.1), dbSNP rs1230566914, ClinGen allele CA353650335.
Genomic context (GRCh38, chr3:78,627,481, plus strand): 5'-ACTGATGGCTATAGGACACGGCAGCTGGAGAAGAAGCTGCTCCCCGAACAGGGGGAGTGG[G>A]GCCTCGTTCATCTTCCTCCTCTTCTAATTCATCTTGTTGCAAATACATCCTTGCTGGTGG-3'
Protein context (NP_002932.1, residues 1229-1249): ELEEEEDERG[Pro1239Ser]TPPVRGAASS

ClinVar aggregate classification (germline): Uncertain significance (1 of 4 stars; one submission).

Conditions:
ROBO1-related disorder. Also called: ROBO1-related condition.

Allele frequency attached by ClinVar (database versions not stated): TOPMed below 0.00001; gnomAD 0.00001; gnomAD exomes 0.00001.
gnomAD v4.1: 16 of 1,612,954 alleles (0.00099%); highest among the groups gnomAD compares: Non-Finnish European, 0.0014%; no homozygotes.

Submission:

PreventionGenetics, part of Exact Sciences
Classification: Uncertain significance for ROBO1-related condition. Last evaluated: 2023-10-06. Review status: criteria provided, single submitter. Criteria: ACMG Guidelines, 2015. Collection method: clinical testing. Allele origin: germline.
Comment: The ROBO1 c.3715C>T variant is predicted to result in the amino acid substitution p.Pro1239Ser. To our knowledge, this variant has not been reported in the literature. This variant is reported in 0.00090% of alleles in individuals of European (Non-Finnish) descent in gnomAD. At this time, the clinical significance of this variant is uncertain due to the absence of conclusive functional and genetic evidence.